The following is an entry in ClinVar:

NM_006949.4(STXBP2):c.1076del (p.Gly359fs)

Gene: STXBP2 (syntaxin binding protein 2; plus strand). Cytogenetic location: 19p13.2.
Variant type: Deletion.
Coding change: c.1076del on transcript NM_006949.4 (MANE Select); coding-DNA position 1076, one base deleted (G; older notation c.1076delG).
Protein change: p.Gly359fs; shifts the reading frame from glycine 359.
Molecular consequence: frameshift variant.
Genome position (GRCh38, 1-based): chr19:7,643,214, G deleted; the last of 3 consecutive G bases (chr19:7,643,212-7,643,214); deleting any one gives the same sequence. VCF-style (leftmost placement, unchanged base first): chr19-7643211-AG-A. GRCh37 (hg19) VCF-style: chr19-7708097-AG-A.
Other names: c.1067del, p.Gly356fs (NM_001127396.3); c.1109del, p.Gly370fs (NM_001272034.2); c.980del, p.Gly327fs (NM_001414484.1); short protein forms G327fs, G356fs, G359fs, G370fs.
Identifiers: ClinVar variation 3726318 (VCV003726318.2).

ClinVar aggregate classification (germline): Pathogenic (1 of 4 stars; one submission).

Conditions:
Familial hemophagocytic lymphohistiocytosis 5. Also called: STXBP2-Related Familial Hemophagocytic Lymphohistiocytosis (STXBP2-fHLH). Identifiers: Orphanet 540, MedGen C2751293, MONDO:0013135, OMIM 613101.

Submission:

Labcorp Genetics (formerly Invitae), Labcorp
Classification: Pathogenic for Familial hemophagocytic lymphohistiocytosis 5. Last evaluated: 2025-11-03. Review status: criteria provided, single submitter. Criteria: Invitae Variant Classification Sherloc (09022015). Collection method: clinical testing. Allele origin: germline.
Comment: This sequence change creates a premature translational stop signal (p.Gly359Alafs*28) in the STXBP2 gene. It is expected to result in an absent or disrupted protein product. Loss-of-function variants in STXBP2 are known to be pathogenic (PMID: 19804848, 22451424). This variant is not present in population databases (gnomAD no frequency). This variant has not been reported in the literature in individuals affected with STXBP2-related conditions. ClinVar contains an entry for this variant (Variation ID: 3726318). For these reasons, this variant has been classified as Pathogenic.

Literature cited by the submitters: PubMed 19804848; PubMed 22451424.